The following is an entry in ClinVar:

ClinVar aggregate classification (germline): Uncertain significance (1 of 4 stars; one submission).

Allele frequency attached by ClinVar (database versions not stated): gnomAD exomes below 0.00001.
gnomAD v4.1: 1 of 1,610,604 alleles (0.000062%); highest among the groups gnomAD compares: Non-Finnish European, 0.000085%; no homozygotes.

Submission:

Labcorp Genetics (formerly Invitae), Labcorp
Classification: Uncertain significance. Last evaluated: 2023-03-03. Review status: criteria provided, single submitter. Criteria: Invitae Variant Classification Sherloc (09022015). Collection method: clinical testing. Allele origin: germline.
Comment: This sequence change falls in intron 5 of the TFAM gene. It does not directly change the encoded amino acid sequence of the TFAM protein. It affects a nucleotide within the consensus splice site. In summary, the available evidence is currently insufficient to determine the role of this variant in disease. Therefore, it has been classified as a Variant of Uncertain Significance. Variants that disrupt the consensus splice site are a relatively common cause of aberrant splicing (PMID: 17576681, 9536098). Algorithms developed to predict the effect of sequence changes on RNA splicing suggest that this variant is not likely to affect RNA splicing. This variant has not been reported in the literature in individuals affected with TFAM-related conditions. This variant is not present in population databases (gnomAD no frequency).

Literature cited by the submitters: PubMed 17576681; PubMed 9536098.

NM_003201.3(TFAM):c.538-3C>T

Gene: TFAM (transcription factor A, mitochondrial; plus strand). Cytogenetic location: 10q21.1.
Variant type: single nucleotide variant.
Coding change: c.538-3C>T on transcript NM_003201.3 (MANE Select); 3 bases into the intron before coding-DNA position 538, C replaced by T.
Molecular consequence: intron variant.
Genome position (GRCh38, 1-based): chr10:58,394,355, C>T. VCF-style: chr10-58394355-C-T. GRCh37 (hg19) VCF-style: chr10-60154115-C-T.
Other names: c.442-3C>T (NM_001270782.2).
Identifiers: ClinVar variation 2904965 (VCV002904965.3), dbSNP rs2492104356, ClinGen allele CA2609241267.